The following is an entry in ClinVar:

NM_001754.5(RUNX1):c.508+8A>T

Genes: RUNX1 (RUNX family transcription factor 1; minus strand), RUNX1-AS1 (RUNX1 antisense RNA 1; plus strand). Cytogenetic location: 21q22.12.
Variant type: single nucleotide variant.
Coding change: c.508+8A>T on transcript NM_001754.5 (MANE Select); 8 bases into the intron after coding-DNA position 508, A replaced by T.
Molecular consequence: intron variant.
Genome position (GRCh38, 1-based): chr21:34,880,549, T>A on the plus strand (A>T on the coding strand, the complement: RUNX1 is on the minus strand). VCF-style: chr21-34880549-T-A. GRCh37 (hg19) VCF-style: chr21-36252846-T-A.
Other names: c.427+8A>T (NM_001001890.3, NM_001122607.2).
Identifiers: ClinVar variation 1581982 (VCV001581982.9), dbSNP rs2146359978, ClinGen allele CA2573157352.

ClinVar aggregate classification (germline): Likely benign. Review status: reviewed by expert panel (3 of 4 stars). 2 submissions from 2 submitters: Likely benign (1). 1 of the submissions does not count toward it. Last evaluated 2025-01-15.

Conditions:
Hereditary thrombocytopenia and hematologic cancer predisposition syndrome. Identifiers: Orphanet 71290, MedGen CN281654, MONDO:0011071.
Hereditary thrombocytopenia and hematological cancer predisposition syndrome associated with RUNX1. Also called: RUNX1 Familial Platelet Disorder with Associated Myeloid Malignancies; Familial Platelet Disorder with Propensity to Acute Myelogenous Leukemia; Familial thrombocytopenia with propensity to acute myelogenous leukemia; PLATELET DISORDER, ASPIRIN-LIKE. Identifiers: Orphanet 71290, MedGen C1832388, MeSH C563324, MONDO:0100083, OMIM 601399.

Submissions (2):

ClinGen Myeloid Malignancy Variant Curation Expert Panel
Classification: Likely benign for Hereditary thrombocytopenia and hematologic cancer predisposition syndrome. Last evaluated: 2025-01-15. Review status: reviewed by expert panel. Criteria: ClinGen MyeloMalig ACMG Specifications v2. Collection method: curation. Allele origin: germline. Inheritance: Autosomal dominant inheritance.
Comment: NM_001754.5(RUNX1):c.508+8A>T is an intronic variant which is completely absent from all population databases with at least 20x coverage for RUNX1 (PM2_Supporting). This intronic variant has a SpliceAI score ≤ 0.20 (0.04) (BP4). This variant has a SpliceAI score ≤ 0.20 (0.04) and evolutionary conservation prediction algorithms predict the site as not being conserved (PhyloP score ≤ 2.0 (-1.4) (BP7). In summary, this variant meets criteria to be classified as likely benign. ACMG/AMP criteria applied, as specified by the Myeloid Malignancy Variant Curation Expert Panel for RUNX1: BP4, BP7, PM2_Supporting

Labcorp Genetics (formerly Invitae), Labcorp
Classification: Likely benign for Hereditary thrombocytopenia and hematological cancer predisposition syndrome associated with RUNX1. Last evaluated: 2023-12-06. Review status: criteria provided, single submitter. Criteria: Invitae Variant Classification Sherloc (09022015). Collection method: clinical testing. Allele origin: germline. Not counted in ClinVar's aggregate classification.